The following is an entry in ClinVar:

NM_005592.4(MUSK):c.2065G>T (p.Val689Phe)

Gene: MUSK (muscle associated receptor tyrosine kinase; plus strand). Cytogenetic location: 9q31.3.
Variant type: single nucleotide variant.
Coding change: c.2065G>T on transcript NM_005592.4 (MANE Select); coding-DNA position 2065, G replaced by T.
Protein change: p.Val689Phe; replaces valine 689 with phenylalanine.
Molecular consequence: missense variant.
Genome position (GRCh38, 1-based): chr9:110,800,443, G>T. VCF-style: chr9-110800443-G-T. GRCh37 (hg19) VCF-style: chr9-113562723-G-T.
Other names: c.1807G>T, p.Val603Phe (NM_001166280.2); c.1777G>T, p.Val593Phe (NM_001166281.2); c.805G>T, p.Val269Phe (NM_001369398.1); short protein forms V689F, V269F, V603F, V593F.
Identifiers: ClinVar variation 966744 (VCV000966744.7), dbSNP rs1464125081, ClinGen allele CA374477935.

ClinVar aggregate classification (germline): Uncertain significance (1 of 4 stars; one submission).

Conditions:
Congenital myasthenic syndrome 9. Also called: Myasthenic syndrome, congenital, 9, associated with acetylcholine receptor deficiency. Identifiers: Orphanet 590, MedGen C4225368, MONDO:0014587, OMIM 616325.
Fetal akinesia deformation sequence 1 (FADS1). Also called: Fetal akinesia sequence; Pena-Shokeir syndrome type I. Identifiers: Orphanet 994, MedGen C1276035, MONDO:0100101, OMIM 208150, HP:0001989.

Allele frequency attached by ClinVar (database versions not stated): TOPMed below 0.00001; gnomAD 0.00001; gnomAD exomes 0.00001.

Submission:

Labcorp Genetics (formerly Invitae), Labcorp
Classification: Uncertain significance for Congenital myasthenic syndrome 9; Fetal akinesia deformation sequence 1. Last evaluated: 2021-08-26. Review status: criteria provided, single submitter. Criteria: Invitae Variant Classification Sherloc (09022015). Collection method: clinical testing. Allele origin: germline.
Comment: This sequence change replaces valine with phenylalanine at codon 689 of the MUSK protein (p.Val689Phe). The valine residue is moderately conserved and there is a small physicochemical difference between valine and phenylalanine. This variant is not present in population databases (ExAC no frequency). This variant has not been reported in the literature in individuals affected with MUSK-related conditions. Algorithms developed to predict the effect of missense changes on protein structure and function are either unavailable or do not agree on the potential impact of this missense change (SIFT: "Deleterious"; PolyPhen-2: "Benign"; Align-GVGD: "Class C0"). In summary, the available evidence is currently insufficient to determine the role of this variant in disease. Therefore, it has been classified as a Variant of Uncertain Significance.